The following is an entry in ClinVar:

NM_003672.4(CDC14A):c.825C>T (p.Ala275=)

Gene: CDC14A (cell division cycle 14A; plus strand). Cytogenetic location: 1p21.2.
Variant type: single nucleotide variant.
Coding change: c.825C>T on transcript NM_003672.4 (MANE Select); coding-DNA position 825, C replaced by T.
Protein change: p.Ala275=; no amino-acid change (alanine 275 retained).
Molecular consequence: synonymous variant. On other transcripts: 5 prime UTR variant (1).
Genome position (GRCh38, 1-based): chr1:100,462,868, C>T. VCF-style: chr1-100462868-C-T. GRCh37 (hg19) VCF-style: chr1-100928424-C-T.
Other names: p.Ala275=; c.825C>T, p.Ala275= (NM_001319210.2, NM_033312.3, NM_033313.3); c.651C>T, p.Ala217= (NM_001319211.2); c.-55C>T (NM_001319212.2); c.825C>T (NM_033312.2).
Identifiers: ClinVar variation 517533 (VCV000517533.14), dbSNP rs7543221, ClinGen allele CA970699.

ClinVar aggregate classification (germline): Benign. Review status: criteria provided, multiple submitters, no conflicts (2 of 4 stars). 5 submissions from 5 submitters: Benign (5). Last evaluated 2026-02-01.

Allele frequency attached by ClinVar (database versions not stated): gnomAD exomes 0.01539; ExAC 0.01864; gnomAD 0.05702 and 0.06126; 1000 Genomes Project 0.05911; 1000 Genomes Project 30x 0.06090; TOPMed 0.06326; ESP Exome Variant Server 0.06797.
gnomAD v4.1: 17,321 of 1,613,466 alleles (1.1%); highest among the groups gnomAD compares: African/African-American, 20%; 1,538 homozygotes.

Submissions (5):

Labcorp Genetics (formerly Invitae), Labcorp
Classification: Benign. Last evaluated: 2026-02-01. Review status: criteria provided, single submitter. Criteria: Invitae Variant Classification Sherloc (09022015). Collection method: clinical testing. Allele origin: germline.

Mayo Clinic Laboratories, Mayo Clinic
Classification: Benign. Last evaluated: 2022-04-17. Review status: criteria provided, single submitter. Criteria: ACMG Guidelines, 2015. Collection method: clinical testing. Allele origin: germline. Observed: 6 variant alleles.

GeneDx
Classification: Benign. Last evaluated: 2017-10-05. Review status: criteria provided, single submitter. Criteria: GeneDx Variant Classification (06012015). Collection method: clinical testing. Allele origin: germline. Affected: yes.
Comment: This variant is considered likely benign or benign based on one or more of the following criteria: it is a conservative change, it occurs at a poorly conserved position in the protein, it is predicted to be benign by multiple in silico algorithms, and/or has population frequency not consistent with disease.

Laboratory for Molecular Medicine, Mass General Brigham Personalized Medicine
Classification: Benign. Last evaluated: 2017-08-23. Review status: criteria provided, single submitter. Criteria: LMM Criteria. Collection method: clinical testing. Allele origin: germline. Observed: 14 variant alleles.
Comment: p.Ala275Ala in exon 9 of CDC14A: This variant is not expected to have clinical s ignificance because it does not alter an amino acid residue, is not located with in the splice consensus sequence, and has been identified in 19.94% (2053/10294) of African chromosomes by the Exome Aggregation Consortium (ExAC; dbSNP rs7543221).

Breakthrough Genomics
Classification: Benign. Review status: criteria provided, single submitter. Criteria: ACMG Guidelines, 2015. Collection method: not provided. Allele origin: germline. Inheritance: Autosomal recessive inheritance. Affected: yes.